The following is an entry in ClinVar:

ClinVar aggregate classification (germline): Uncertain significance (1 of 4 stars; one submission).

Submission:

Women's Health and Genetics/Laboratory Corporation of America, LabCorp
Classification: Uncertain significance. Last evaluated: 2024-05-28. Review status: criteria provided, single submitter. Criteria: LabCorp Variant Classification Summary - May 2015. Collection method: clinical testing. Allele origin: germline.
Comment: Variant summary: CBS c.829-15_829-14ins68 alters a nucleotide located at a position not widely known to affect splicing. Several computational tools predict a significant impact on normal splicing: Four predict the variant creates a 3' acceptor site. Four predict the variant creates a 5' donor site. However, these predictions have yet to be confirmed by functional studies. The variant was absent in 248622 control chromosomes. The available data on variant occurrences in the general population are insufficient to allow any conclusion about variant significance. To our knowledge, no occurrence of c.829-15_829-14ins68 in individuals affected with Homocystinuria and no experimental evidence demonstrating its impact on protein function have been reported. No submitters have cited clinical-significance assessments for this variant to ClinVar. Based on the evidence outlined above, the variant was classified as uncertain significance.

NM_000071.3(CBS):c.829-15_829-14insGGGGCTTTTGCTGGCCTTGAGCCCTGAAGCTGCGCCCTCTGCAGATCACTGGGGTGGATCATCCAGGT

Gene: CBS (cystathionine beta-synthase; minus strand). Cytogenetic location: 21q22.3.
Variant type: Insertion.
Coding change: c.829-15_829-14insGGGGCTTTTGCTGGCCTTGAGCCCTGAAGCTGCGCCCTCTGCAGATCACTGGGGTGGATCATCCAGGT on transcript NM_000071.3 (MANE Select); 15 bases into the intron before coding-DNA position 829 through 14 bases into the intron before coding-DNA position 829, GGGGCTTTTGCTGGCCTTGAGCCCTGAAGCTGCGCCCTCTGCAGATCACTGGGGTGGATCATCCAGGT inserted.
Molecular consequence: intron variant.
Genome position: GRCh38: chr21:43,063,122-43,063,123. GRCh37 (hg19): chr21:44,483,232-44,483,233.
Other names: c.829-15_829-14insGGGGCTTTTGCTGGCCTTGAGCCCTGAAGCTGCGCCCTCTGCAGATCACTGGGGTGGATCATCCAGGT (NM_001320298.2, NM_001178009.3, NM_001178008.3); c.514-15_514-14insGGGGCTTTTGCTGGCCTTGAGCCCTGAAGCTGCGCCCTCTGCAGATCACTGGGGTGGATCATCCAGGT (NM_001321072.1); c.829-15_829-14insTGCGCCCTCTGCAGATCACTGGGGTGGATCATCCAGGTGGGGCTTTTGCTGGCCTTGAGCCCTGAAGC (NM_000071.3).
Identifiers: ClinVar variation 3338014 (VCV003338014.1).